The following is an entry in ClinVar:

NM_005120.3(MED12):c.3801C>T (p.Asn1267=)

Gene: MED12 (mediator complex subunit 12; plus strand). Cytogenetic location: Xq13.1.
Variant type: single nucleotide variant.
Coding change: c.3801C>T on transcript NM_005120.3 (MANE Select); coding-DNA position 3801, C replaced by T.
Protein change: p.Asn1267=; no amino-acid change (asparagine 1267 retained).
Molecular consequence: synonymous variant.
Genome position (GRCh38, 1-based): chrX:71,129,789, C>T. VCF-style: chrX-71129789-C-T. GRCh37 (hg19) VCF-style: chrX-70349639-C-T.
Identifiers: ClinVar variation 378933 (VCV000378933.2), dbSNP rs1057520418, ClinGen allele CA16608568.

ClinVar aggregate classification (germline): Likely benign. Review status: criteria provided, multiple submitters, no conflicts (2 of 4 stars). 2 submissions from 2 submitters: Likely benign (2). Last evaluated 2024-05-25.

Conditions:
Familial thoracic aortic aneurysm and aortic dissection (TAAD). Also called: Thoracic aortic aneurysms and dissections. Identifiers: Orphanet 91387, MedGen C4707243, MONDO:0019625.

Allele frequency attached by ClinVar (database versions not stated): gnomAD exomes below 0.00001.

Submissions (2):

Ambry Genetics
Classification: Likely benign for Familial thoracic aortic aneurysm and aortic dissection. Last evaluated: 2024-05-25. Review status: criteria provided, single submitter. Criteria: Ambry Variant Classification Scheme 2023. Collection method: clinical testing. Allele origin: germline.

GeneDx
Classification: Likely benign. Last evaluated: 2016-06-29. Review status: criteria provided, single submitter. Criteria: GeneDx Variant Classification (06012015). Collection method: clinical testing. Allele origin: germline. Affected: yes.
Comment: This variant is considered likely benign or benign based on one or more of the following criteria: it is a conservative change, it occurs at a poorly conserved position in the protein, it is predicted to be benign by multiple in silico algorithms, and/or has population frequency not consistent with disease.